The following is an entry in ClinVar:

NM_001099922.3(ALG13):c.3252C>G (p.Ser1084=)

Gene: ALG13 (ALG13 UDP-N-acetylglucosaminyltransferase subunit; plus strand). Cytogenetic location: Xq23.
Variant type: single nucleotide variant.
Coding change: c.3252C>G on transcript NM_001099922.3 (MANE Select); coding-DNA position 3252, C replaced by G.
Protein change: p.Ser1084=; no amino-acid change (serine 1084 retained).
Molecular consequence: synonymous variant. On other transcripts: non-coding transcript variant (1).
Genome position (GRCh38, 1-based): chrX:111,759,837, C>G. VCF-style: chrX-111759837-C-G. GRCh37 (hg19) VCF-style: chrX-111003065-C-G.
Other names: c.2703C>G, p.Ser901= (NM_001257230.2, NM_001257234.2, NM_001257237.2); c.3018C>G, p.Ser1006= (NM_001257231.2); c.3015C>G, p.Ser1005= (NM_001324292.2); c.2529C>G, p.Ser843= (NM_001324293.1).
Identifiers: ClinVar variation 511982 (VCV000511982.1), dbSNP rs1171897545, ClinGen allele CA518060451.

ClinVar aggregate classification (germline): Likely benign (1 of 4 stars; one submission).

Allele frequency attached by ClinVar (database versions not stated): gnomAD exomes below 0.00001 and 0.00001; TOPMed below 0.00001; gnomAD 0.00003.
gnomAD v4.1: 5 of 1,209,116 alleles (0.00041%); highest among the groups gnomAD compares: African/African-American, 0.0088%; no homozygotes.

Submission:

GeneDx
Classification: Likely benign. Last evaluated: 2017-09-12. Review status: criteria provided, single submitter. Criteria: GeneDx Variant Classification (06012015). Collection method: clinical testing. Allele origin: germline. Affected: yes.
Comment: This variant is considered likely benign or benign based on one or more of the following criteria: it is a conservative change, it occurs at a poorly conserved position in the protein, it is predicted to be benign by multiple in silico algorithms, and/or has population frequency not consistent with disease.